The following is an entry in ClinVar:

NM_001164688.2(RD3):c.13_14del (p.Ser5fs)

Gene: RD3 (RD3 regulator of GUCY2D; minus strand). Cytogenetic location: 1q32.3.
Variant type: Microsatellite.
Coding change: c.13_14del on transcript NM_001164688.2 (MANE Select); coding-DNA positions 13 to 14, 2 bases deleted (TC; older notation c.13_14delTC).
Protein change: p.Ser5fs; shifts the reading frame from serine 5.
Molecular consequence: frameshift variant.
Genome position (GRCh38, 1-based): chr1:211,481,402-211,481,403, GA deleted on the plus strand (TC on the coding strand, the reverse complement: RD3 is on the minus strand); deleting any 2 consecutive bases within chr1:211,481,402-211,481,405 gives the same sequence; the c. name uses the placement nearest the transcript's 3' end. VCF-style (leftmost placement, unchanged base first): chr1-211481401-TGA-T. GRCh37 (hg19) VCF-style: chr1-211654743-TGA-T.
Other names: c.13_14del (NM_183059.2); c.13_14del, p.Ser5fs (NM_183059.3); short protein forms S5fs.
Identifiers: ClinVar variation 1458859 (VCV001458859.8), dbSNP rs761112550, ClinGen allele CA1381182.
Genomic context (GRCh38, chr1:211,481,401, plus strand): 5'-CACCATCTCAGCAGGGCTCCTGGTGGACAGCCGGGATGGGGCCTCGTTCCACCGAAGCCA[TGA>T]GATGAGAGACATAGCCCCTGGCCCTGCTGAGACAGGACAGATGTGCATCTTTCCTGGGCC-3'

ClinVar aggregate classification (germline): Pathogenic/Likely pathogenic. Review status: criteria provided, multiple submitters, no conflicts (2 of 4 stars). 3 submissions from 3 submitters: Pathogenic (1); Likely pathogenic (2). Last evaluated 2024-01-07.

Conditions:
RD3-related disorder. Also called: RD3-related condition.
Leber congenital amaurosis 12 (LCA12). Identifiers: Orphanet 65, MedGen C1857743, MONDO:0012525, OMIM 610612.

Submissions (3):

GeneDx
Classification: Likely pathogenic. Last evaluated: 2024-01-07. Review status: criteria provided, single submitter. Criteria: GeneDx Variant Classification Process June 2021. Collection method: clinical testing. Allele origin: germline. Affected: yes.
Comment: Frameshift variant predicted to result in protein truncation or nonsense mediated decay in a gene for which loss of function is a known mechanism of disease; Not observed at significant frequency in large population cohorts (gnomAD); Has not been previously reported as pathogenic or benign in association with RD3-related disorders to our knowledge; This variant is associated with the following publications: (PMID: 31964843)

Labcorp Genetics (formerly Invitae), Labcorp
Classification: Pathogenic for Leber congenital amaurosis 12. Last evaluated: 2021-11-09. Review status: criteria provided, single submitter. Criteria: Invitae Variant Classification Sherloc (09022015). Collection method: clinical testing. Allele origin: germline.
Comment: This sequence change creates a premature translational stop signal (p.Ser5Metfs*18) in the RD3 gene. It is expected to result in an absent or disrupted protein product. Loss-of-function variants in RD3 are known to be pathogenic (PMID: 23308101). This variant is present in population databases (rs761112550, gnomAD 0.0009%). This variant has not been reported in the literature in individuals affected with RD3-related conditions. For these reasons, this variant has been classified as Pathogenic.

Blueprint Genetics
Classification: Likely pathogenic for RD3-related disorders. Last evaluated: 2018-07-27. Review status: criteria provided, single submitter. Criteria: ACMG Guidelines, 2015. Collection method: clinical testing. Allele origin: germline. Affected: yes. Observed: 2 variant alleles.

Literature cited by the submitters: PubMed 23308101 (cited by Labcorp Genetics (formerly Invitae), Labcorp).